The following is an entry in ClinVar:

ClinVar aggregate classification (germline): Pathogenic (1 of 4 stars; one submission).

Conditions:
Neurofibromatosis, type 1 (NF1). Also called: Neurofibromatosis, type I; VON RECKLINGHAUSEN DISEASE; NEUROFIBROMATOSIS, TYPE I, SOMATIC; Peripheral type neurofibromatosis. Identifiers: Orphanet 636, MedGen C0027831, MONDO:0018975, OMIM 162200. Disease mechanism: loss of function.

Submission:

Labcorp Genetics (formerly Invitae), Labcorp
Classification: Pathogenic for Neurofibromatosis, type 1. Last evaluated: 2023-03-12. Review status: criteria provided, single submitter. Criteria: Invitae Variant Classification Sherloc (09022015). Collection method: clinical testing. Allele origin: germline.
Comment: This sequence change creates a premature translational stop signal (p.Leu1607*) in the NF1 gene. It is expected to result in an absent or disrupted protein product. Loss-of-function variants in NF1 are known to be pathogenic (PMID: 10712197, 23913538). For these reasons, this variant has been classified as Pathogenic. ClinVar contains an entry for this variant (Variation ID: 1454423). This premature translational stop signal has been observed in individual(s) with neurofibromatosis type 1 (PMID: 16944272). This variant is not present in population databases (gnomAD no frequency).

Literature cited by the submitters: PubMed 10712197; PubMed 23913538; PubMed 16944272.

NM_001042492.3(NF1):c.4883T>A (p.Leu1628Ter)

Gene: NF1 (neurofibromin 1; plus strand). Cytogenetic location: 17q11.2.
Variant type: single nucleotide variant.
Coding change: c.4883T>A on transcript NM_001042492.3 (MANE Select); coding-DNA position 4883, T replaced by A.
Protein change: p.Leu1628Ter; replaces leucine 1628 with a stop codon.
Molecular consequence: nonsense.
Genome position (GRCh38, 1-based): chr17:31,325,867, T>A. VCF-style: chr17-31325867-T-A. GRCh37 (hg19) VCF-style: chr17-29652885-T-A.
Other names: c.4820T>A, p.Leu1607Ter (NM_000267.4); short protein forms L1607*, L1628*.
Identifiers: ClinVar variation 1454423 (VCV001454423.6), dbSNP rs2069326534, ClinGen allele CA399007026.